The following is an entry in ClinVar:

NM_000051.4(ATM):c.5763-5T>C

Genes: C11orf65 (chromosome 11 open reading frame 65; minus strand), ATM (ATM serine/threonine kinase; plus strand). Cytogenetic location: 11q22.3.
Variant type: single nucleotide variant.
Coding change: c.5763-5T>C on transcript NM_000051.4 (MANE Select); 5 bases into the intron before coding-DNA position 5763, T replaced by C.
Molecular consequence: intron variant.
Genome position (GRCh38, 1-based): chr11:108,310,155, T>C. VCF-style: chr11-108310155-T-C. GRCh37 (hg19) VCF-style: chr11-108180882-T-C.
Other names: c.5763-5T>C (NM_001351834.2); c.641-1084A>G (NM_001330368.2); c.*39-1084A>G (NM_001351110.2).
Identifiers: ClinVar variation 482728 (VCV000482728.16), dbSNP rs1555110219, ClinGen allele CA658656269.

ClinVar aggregate classification (germline): Conflicting classifications of pathogenicity. Review status: criteria provided, conflicting classifications (1 of 4 stars). 3 submissions from 3 submitters: Uncertain significance (1); Likely benign (2). Last evaluated 2026-02-06.

Conditions:
Hereditary cancer-predisposing syndrome. Also called: Neoplastic Syndromes, Hereditary; Hereditary Cancer Syndrome; Tumor predisposition; Hereditary neoplastic syndrome. Identifiers: Orphanet 140162, MedGen C0027672, MeSH D009386, MONDO:0015356.
Familial cancer of breast. Also called: Hereditary breast cancer; BREAST CANCER, FAMILIAL; hereditary breast carcinoma. Identifiers: Orphanet 227535, MedGen C0346153, MONDO:0016419, OMIM 114480. Disease mechanism: loss of function.
Ataxia-telangiectasia syndrome (AT). Also called: LOUIS-BAR SYNDROME; Cerebello-oculocutaneous telangiectasia; Immunodeficiency with ataxia telangiectasia; Ataxia-telangiectasia, complementation group D; AT, COMPLEMENTATION GROUP C; Ataxia-telangiectasia, complementation group E. Identifiers: Orphanet 100, MedGen C0004135, MONDO:0008840, OMIM 208900.

Submissions (3):

Ambry Genetics
Classification: Uncertain significance for Hereditary cancer-predisposing syndrome. Last evaluated: 2026-02-06. Review status: criteria provided, single submitter. Criteria: Ambry Variant Classification Scheme 2023. Collection method: clinical testing. Allele origin: germline.
Comment: The c.5763-5T>C intronic variant results from a T to C substitution 5 nucleotides upstream from coding exon 38 in the ATM gene. This nucleotide position is not well conserved in available vertebrate species. In silico splice site analysis predicts that this alteration will not have any significant effect on splicing. Based on the available evidence, the clinical significance of this variant remains unclear.

Myriad Genetics, Inc.
Classification: Likely benign for Familial cancer of breast. Last evaluated: 2024-05-24. Review status: criteria provided, single submitter. Criteria: Myriad Autosomal Dominant, Autosomal Recessive and X-Linked Classification Criteria (2023). Collection method: clinical testing. Allele origin: unknown.
Comment: This variant is considered likely benign. This variant is intronic and is not expected to impact mRNA splicing.

Labcorp Genetics (formerly Invitae), Labcorp
Classification: Likely benign for Ataxia-telangiectasia syndrome. Last evaluated: 2022-01-11. Review status: criteria provided, single submitter. Criteria: Invitae Variant Classification Sherloc (09022015). Collection method: clinical testing. Allele origin: germline.